The following is an entry in ClinVar:

NM_144997.7(FLCN):c.331C>G (p.His111Asp)

Gene: FLCN (folliculin; minus strand). Cytogenetic location: 17p11.2.
Variant type: single nucleotide variant.
Coding change: c.331C>G on transcript NM_144997.7 (MANE Select); coding-DNA position 331, C replaced by G.
Protein change: p.His111Asp; replaces histidine 111 with aspartic acid.
Molecular consequence: missense variant.
Genome position (GRCh38, 1-based): chr17:17,226,241, G>C on the plus strand (C>G on the coding strand, the complement: FLCN is on the minus strand). VCF-style: chr17-17226241-G-C. GRCh37 (hg19) VCF-style: chr17-17129555-G-C.
Other names: c.331C>G, p.His111Asp (NM_001353229.2, NM_001353230.2, NM_001353231.2 and 1 more transcripts); short protein forms H111D.
Identifiers: ClinVar variation 1316122 (VCV001316122.3), dbSNP rs2145011723, ClinGen allele CA398534820.
Genomic context (GRCh38, chr17:17,226,241, plus strand): 5'-AGCTCAGGCTCCGGACACAGGCCTGGCGGACAATGCTGAAGAGCTGGGGGTGGCTGGGGT[G>C]CTGGTGGCTGACGTATTTAATGGAGGTCTCTTTATCATGGCTGATATATCCCGGGTGCCC-3'
Protein context (NP_659434.2, residues 101-121): ETSIKYVSHQ[His111Asp]PSHPQLFSIV

ClinVar aggregate classification (germline): Uncertain significance. Review status: criteria provided, multiple submitters, no conflicts (2 of 4 stars). 2 submissions from 2 submitters: Uncertain significance (2). Last evaluated 2026-05-14.

Conditions:
Hereditary cancer-predisposing syndrome. Also called: Neoplastic Syndromes, Hereditary; Tumor predisposition; Hereditary Cancer Syndrome; Hereditary neoplastic syndrome. Identifiers: Orphanet 140162, MedGen C0027672, MeSH D009386, MONDO:0015356.

Submissions (2):

Ambry Genetics
Classification: Uncertain significance for Hereditary cancer-predisposing syndrome. Last evaluated: 2026-05-14. Review status: criteria provided, single submitter. Criteria: Ambry Variant Classification Scheme 2023. Collection method: clinical testing. Allele origin: germline.
Comment: The p.H111D variant (also known as c.331C>G), located in coding exon 2 of the FLCN gene, results from a C to G substitution at nucleotide position 331. The histidine at codon 111 is replaced by aspartic acid, an amino acid with similar properties. This amino acid position is conserved. In addition, this alteration is predicted to be deleterious by in silico analysis. Based on the available evidence, the clinical significance of this variant remains unclear.

GeneDx
Classification: Uncertain significance. Last evaluated: 2019-07-31. Review status: criteria provided, single submitter. Criteria: GeneDx Variant Classification Process June 2021. Collection method: clinical testing. Allele origin: germline. Affected: yes.
Comment: Not observed in large population cohorts (Lek et al., 2016); In silico analysis, which includes protein predictors and evolutionary conservation, supports a deleterious effect; Has not been previously published as pathogenic or benign to our knowledge